The following is an entry in ClinVar:

NM_014633.5(CTR9):c.1718A>T (p.Asn573Ile)

Gene: CTR9 (CTR9 component of Paf1/RNA polymerase II complex; plus strand). Cytogenetic location: 11p15.4.
Variant type: single nucleotide variant.
Coding change: c.1718A>T on transcript NM_014633.5 (MANE Select); coding-DNA position 1718, A replaced by T.
Protein change: p.Asn573Ile; replaces asparagine 573 with isoleucine.
Molecular consequence: missense variant.
Genome position (GRCh38, 1-based): chr11:10,767,837, A>T. VCF-style: chr11-10767837-A-T. GRCh37 (hg19) VCF-style: chr11-10789384-A-T.
Other names: c.1718A>T, p.Asn573Ile (NM_001346279.2); short protein forms N573I.
Identifiers: ClinVar variation 2763368 (VCV002763368.3), dbSNP rs567272474, ClinGen allele CA379672973.

ClinVar aggregate classification (germline): Uncertain significance (1 of 4 stars; one submission).

gnomAD v4.1: 1 of 1,614,070 alleles (0.000062%); highest among the groups gnomAD compares: Non-Finnish European, 0.000085%; no homozygotes.

Submission:

Labcorp Genetics (formerly Invitae), Labcorp
Classification: Uncertain significance. Last evaluated: 2024-04-10. Review status: criteria provided, single submitter. Criteria: Invitae Variant Classification Sherloc (09022015). Collection method: clinical testing. Allele origin: germline.
Comment: This sequence change replaces asparagine, which is neutral and polar, with isoleucine, which is neutral and non-polar, at codon 573 of the CTR9 protein (p.Asn573Ile). This variant is not present in population databases (gnomAD no frequency). This variant has not been reported in the literature in individuals affected with CTR9-related conditions. An algorithm developed to predict the effect of missense changes on protein structure and function (PolyPhen-2) suggests that this variant is likely to be tolerated. In summary, the available evidence is currently insufficient to determine the role of this variant in disease. Therefore, it has been classified as a Variant of Uncertain Significance.